The following is an entry in ClinVar:

NM_152564.5(VPS13B):c.4876G>A (p.Val1626Ile)

Gene: VPS13B (vacuolar protein sorting 13 homolog B; plus strand). Cytogenetic location: 8q22.2.
Variant type: single nucleotide variant.
Coding change: c.4876G>A on transcript NM_152564.5 (MANE Select); coding-DNA position 4876, G replaced by A.
Protein change: p.Val1626Ile; replaces valine 1626 with isoleucine.
Molecular consequence: missense variant.
Genome position (GRCh38, 1-based): chr8:99,556,580, G>A. VCF-style: chr8-99556580-G-A. GRCh37 (hg19) VCF-style: chr8-100568808-G-A.
Other names: c.4951G>A, p.Val1651Ile (NM_017890.5); short protein forms V1626I, V1651I.
Identifiers: ClinVar variation 644796 (VCV000644796.6), dbSNP rs138577821, ClinGen allele CA4823671.
Genomic context (GRCh38, chr8:99,556,580, plus strand): 5'-CTGCAGTCCATCAATATTGGTACTGCACAGTGGCATCAACTAAAACCAGAGAAGGAAAGT[G>A]TCTCAGGAGGGGTGGTAACAGAGACTGAAAGGAATTCTCAAAATCCAGCCCTTGAGTGGA-3'
Protein context (NP_689777.3, residues 1616-1636): WHQLKPEKES[Val1626Ile]SGGVVTETER

ClinVar aggregate classification (germline): Uncertain significance. Review status: criteria provided, single submitter (1 of 4 stars). 3 submissions from 3 submitters: Uncertain significance (1). 2 of the submissions do not count toward it. Last evaluated 2022-09-06.

Conditions:
VPS13B-related disorder. Also called: VPS13B-related condition.
Cohen syndrome (COH1). Also called: PEPPER SYNDROME; Cutis verticis gyrata, retinitis pigmentosa, and sensorineural deafness. Identifiers: Orphanet 193, MedGen C0265223, MONDO:0008999, OMIM 216550.

Allele frequency attached by ClinVar (database versions not stated): ExAC 0.00002; gnomAD 0.00005; gnomAD exomes 0.00005 and 0.00011; TOPMed 0.00009; ESP Exome Variant Server 0.00015.
gnomAD v4.1: 173 of 1,613,048 alleles (0.011%); highest among the groups gnomAD compares: Non-Finnish European, 0.014%; no homozygotes.

Submissions (3):

Labcorp Genetics (formerly Invitae), Labcorp
Classification: Uncertain significance for Cohen syndrome. Last evaluated: 2022-09-06. Review status: criteria provided, single submitter. Criteria: Invitae Variant Classification Sherloc (09022015). Collection method: clinical testing. Allele origin: germline.
Comment: This sequence change replaces valine, which is neutral and non-polar, with isoleucine, which is neutral and non-polar, at codon 1651 of the VPS13B protein (p.Val1651Ile). This variant is present in population databases (rs138577821, gnomAD 0.008%). This variant has not been reported in the literature in individuals affected with VPS13B-related conditions. ClinVar contains an entry for this variant (Variation ID: 644796). Algorithms developed to predict the effect of missense changes on protein structure and function are either unavailable or do not agree on the potential impact of this missense change (SIFT: "Not Available"; PolyPhen-2: "Benign"; Align-GVGD: "Not Available"). In summary, the available evidence is currently insufficient to determine the role of this variant in disease. Therefore, it has been classified as a Variant of Uncertain Significance.

PreventionGenetics, part of Exact Sciences
Classification: Uncertain significance for VPS13B-related condition. Last evaluated: 2023-11-27. Review status: no assertion criteria provided. Collection method: clinical testing. Allele origin: germline. Not counted in ClinVar's aggregate classification.
Comment: The VPS13B c.4951G>A variant is predicted to result in the amino acid substitution p.Val1651Ile. To our knowledge, this variant has not been reported in the literature. This variant is reported in 0.012% of alleles in individuals of African descent in gnomAD. At this time, the clinical significance of this variant is uncertain due to the absence of conclusive functional and genetic evidence.

Natera, Inc.
Classification: Uncertain significance for Cohen syndrome. Last evaluated: 2020-01-07. Review status: no assertion criteria provided. Collection method: clinical testing. Allele origin: germline. Not counted in ClinVar's aggregate classification.